The following is an entry in ClinVar:

NM_002907.4(RECQL):c.1445G>C (p.Ser482Thr)

Gene: RECQL (RecQ like helicase; minus strand). Cytogenetic location: 12p12.1.
Variant type: single nucleotide variant.
Coding change: c.1445G>C on transcript NM_002907.4 (MANE Select); coding-DNA position 1445, G replaced by C.
Protein change: p.Ser482Thr; replaces serine 482 with threonine.
Molecular consequence: missense variant.
Genome position (GRCh38, 1-based): chr12:21,473,553, C>G on the plus strand (G>C on the coding strand, the complement: RECQL is on the minus strand). VCF-style: chr12-21473553-C-G. GRCh37 (hg19) VCF-style: chr12-21626487-C-G.
Other names: c.1445G>C, p.Ser482Thr (NM_032941.3); short protein forms S482T.
Identifiers: ClinVar variation 3431820 (VCV003431820.1).

ClinVar aggregate classification (germline): Uncertain significance (1 of 4 stars; one submission).

Submission:

Ambry Genetics
Classification: Uncertain significance. Last evaluated: 2024-11-09. Review status: criteria provided, single submitter. Criteria: Ambry Variant Classification Scheme 2023. Collection method: clinical testing. Allele origin: germline.
Comment: The p.S482T variant (also known as c.1445G>C), located in coding exon 11 of the RECQL gene, results from a G to C substitution at nucleotide position 1445. The serine at codon 482 is replaced by threonine, an amino acid with similar properties. This amino acid position is conserved. In addition, this alteration is predicted to be tolerated by in silico analysis. Based on the available evidence, the clinical significance of this variant remains unclear.